The following is an entry in ClinVar:

NM_004247.4(EFTUD2):c.322A>G (p.Thr108Ala)

Gene: EFTUD2 (elongation factor Tu GTP binding domain containing 2; minus strand). Cytogenetic location: 17q21.31.
Variant type: single nucleotide variant.
Coding change: c.322A>G on transcript NM_004247.4 (MANE Select); coding-DNA position 322, A replaced by G.
Protein change: p.Thr108Ala; replaces threonine 108 with alanine.
Molecular consequence: missense variant.
Genome position (GRCh38, 1-based): chr17:44,885,284, T>C on the plus strand (A>G on the coding strand, the complement: EFTUD2 is on the minus strand). VCF-style: chr17-44885284-T-C. GRCh37 (hg19) VCF-style: chr17-42962652-T-C.
Other names: c.217A>G, p.Thr73Ala (NM_001142605.2); c.322A>G, p.Thr108Ala (NM_001258353.2, NM_001258354.2); short protein forms T108A, T73A.
Identifiers: ClinVar variation 957423 (VCV000957423.9), dbSNP rs2051147288, ClinGen allele CA399825786.

ClinVar aggregate classification (germline): Uncertain significance (1 of 4 stars; one submission).

Submission:

Labcorp Genetics (formerly Invitae), Labcorp
Classification: Uncertain significance. Last evaluated: 2019-08-20. Review status: criteria provided, single submitter. Criteria: Invitae Variant Classification Sherloc (09022015). Collection method: clinical testing. Allele origin: germline.
Comment: This variant is not present in population databases (ExAC no frequency). In summary, the available evidence is currently insufficient to determine the role of this variant in disease. Therefore, it has been classified as a Variant of Uncertain Significance. Algorithms developed to predict the effect of missense changes on protein structure and function (SIFT, PolyPhen-2, Align-GVGD) all suggest that this variant is likely to be tolerated, but these predictions have not been confirmed by published functional studies and their clinical significance is uncertain. This variant has not been reported in the literature in individuals with EFTUD2-related conditions. This sequence change replaces threonine with alanine at codon 108 of the EFTUD2 protein (p.Thr108Ala). The threonine residue is moderately conserved and there is a small physicochemical difference between threonine and alanine.